The following is an entry in ClinVar:

NM_004985.5(KRAS):c.34G>C (p.Gly12Arg)

Gene: KRAS (KRas proto-oncogene, GTPase; minus strand). Cytogenetic location: 12p12.1.
Variant type: single nucleotide variant.
Coding change: c.34G>C on transcript NM_004985.5 (MANE Select); coding-DNA position 34, G replaced by C.
Protein change: p.Gly12Arg; replaces glycine 12 with arginine.
Molecular consequence: missense variant.
Genome position (GRCh38, 1-based): chr12:25,245,351, C>G on the plus strand (G>C on the coding strand, the complement: KRAS is on the minus strand). VCF-style: chr12-25245351-C-G. GRCh37 (hg19) VCF-style: chr12-25398285-C-G.
Other names: c.34G>C, p.Gly12Arg (NM_001369786.1, NM_001369787.1, NM_033360.4); short protein forms G12R.
Identifiers: ClinVar variation 12579 (VCV000012579.46), dbSNP rs121913530, ClinGen allele CA122531.
Genomic context (GRCh38, chr12:25,245,351, plus strand): 5'-ATTCGTCCACAAAATGATTCTGAATTAGCTGTATCGTCAAGGCACTCTTGCCTACGCCAC[C>G]AGCTCCAACTACCACAAGTTTATATTCAGTCATTTTCAGCAGGCCTTATAATAAAAATAA-3'
Protein context (NP_004976.2, residues 2-22): TEYKLVVVGA[Gly12Arg]GVGKSALTIQ

ClinVar aggregate classification (germline): Pathogenic/Likely pathogenic. Review status: criteria provided, multiple submitters, no conflicts (2 of 4 stars). 6 submissions from 5 submitters: Pathogenic (1); Likely pathogenic (1). 4 of the submissions do not count toward it. Last evaluated 2022-07-04.
ClinVar aggregate classification (oncogenicity): Oncogenic. Review status: criteria provided, single submitter (1 of 4 stars). 2 submissions from 2 submitters. 1 of the submissions does not count toward it. Last evaluated 2025-03-04.

Conditions:
RASopathy. Also called: Noonan spectrum disorder; rasopathies. Identifiers: Orphanet 536391, MedGen C5555857, MONDO:0021060.
Malignant tumor of urinary bladder. Also called: Urinary Bladder Neoplasms; Bladder cancer; Urinary bladder cancer. Identifiers: MedGen C0005684, MONDO:0001187, OMIM 109800.
Non-small cell lung carcinoma (NSCLC). Also called: Non-small cell lung cancer. Identifiers: MedGen C0007131, MeSH D002289, MONDO:0005233, HP:0030358. Disease mechanism: Other.
Squamous cell lung carcinoma. Also called: Squamous cell carcinoma of lung; Lung cancer, squamous cell, somatic. Identifiers: MedGen C0149782, MONDO:0005097, HP:0030359.
Adenoid cystic carcinoma. Also called: Adenocystic carcinoma. Identifiers: MedGen C0010606, MeSH D003528, MONDO:0004971.
Neoplasm. Also called: tumor; Neoplasms; Neoplasm (disease). Identifiers: MedGen C0027651, MeSH D009369, MONDO:0005070, HP:0002664.

Submissions (8):

Center for Genomic Medicine, Rigshospitalet, Copenhagen University Hospital
Classification: Oncogenic for Neoplasm. Last evaluated: 2025-03-04. Review status: criteria provided, single submitter. Criteria: ClinGen/CGC/VICC Guidelines for Oncogenicity, 2022. Collection method: clinical testing. Allele origin: somatic. Affected: yes.

Labcorp Genetics (formerly Invitae), Labcorp
Classification: Likely pathogenic for RASopathy. Last evaluated: 2022-07-04. Review status: criteria provided, single submitter. Criteria: Invitae Variant Classification Sherloc (09022015). Collection method: clinical testing. Allele origin: germline.
Comment: This sequence change replaces glycine, which is neutral and non-polar, with arginine, which is basic and polar, at codon 12 of the KRAS protein (p.Gly12Arg). In summary, the currently available evidence indicates that the variant is pathogenic, but additional data are needed to prove that conclusively. Therefore, this variant has been classified as Likely Pathogenic. This variant disrupts the p.Gly12 amino acid residue in KRAS. Other variant(s) that disrupt this residue have been determined to be pathogenic (PMID: 17704260, 26242988). This suggests that this residue is clinically significant, and that variants that disrupt this residue are likely to be disease-causing. Advanced modeling of protein sequence and biophysical properties (such as structural, functional, and spatial information, amino acid conservation, physicochemical variation, residue mobility, and thermodynamic stability) performed at Invitae indicates that this missense variant is expected to disrupt KRAS protein function. ClinVar contains an entry for this variant (Variation ID: 12579). This variant has not been reported in the literature in individuals affected with KRAS-related conditions. This variant is not present in population databases (gnomAD no frequency).

CeGaT Center for Human Genetics Tuebingen
Classification: Pathogenic. Last evaluated: 2022-02-01. Review status: criteria provided, single submitter. Criteria: CeGaT Center For Human Genetics Tuebingen Variant Classification Criteria Version 2. Collection method: clinical testing. Allele origin: germline. Affected: yes. Observed: 1 variant allele.

Genome Sciences Centre, British Columbia Cancer Agency
Classification: Oncogenic for Adenoid cystic carcinoma. Last evaluated: 2024-11-13. Review status: no assertion criteria provided. Collection method: research. Allele origin: somatic. Affected: yes. Observed: 1 variant allele. Not counted in ClinVar's aggregate classification.

Laboratory for Molecular Medicine, Mass General Brigham Personalized Medicine
Classification: Pathogenic for Non-small cell lung carcinoma. Last evaluated: 2014-08-28. Review status: no assertion criteria provided. Collection method: clinical testing. Allele origin: somatic. Observed: 8 variant alleles. Not counted in ClinVar's aggregate classification.
Comment: proposed classification - variant undergoing re-assessment, contact laboratory

OMIM
Classification: Pathogenic for LUNG CANCER, SQUAMOUS CELL, SOMATIC. Last evaluated: 1984-02-17. Review status: no assertion criteria provided. Collection method: literature only. Allele origin: somatic. Not counted in ClinVar's aggregate classification.

OMIM
Classification: Pathogenic for BLADDER CANCER, SOMATIC. Last evaluated: 1984-02-17. Review status: no assertion criteria provided. Collection method: literature only. Allele origin: somatic. Not counted in ClinVar's aggregate classification.

Department of Pathology and Laboratory Medicine, Sinai Health System
Classification: Pathogenic. Review status: no assertion criteria provided. Collection method: clinical testing. Allele origin: unknown. Affected: yes. Observed: 4 variant alleles. Study: The Canadian Open Genetics Repository (COGR). Not counted in ClinVar's aggregate classification.

Literature cited by the submitters: PubMed 23455880 (cited by Center for Genomic Medicine, Rigshospitalet, Copenhagen University Hospital); PubMed 26037647 (cited by Center for Genomic Medicine, Rigshospitalet, Copenhagen University Hospital); PubMed 17704260 (cited by Labcorp Genetics (formerly Invitae), Labcorp); PubMed 26242988 (cited by Labcorp Genetics (formerly Invitae), Labcorp); PubMed 15696205 (cited by Laboratory for Molecular Medicine, Mass General Brigham Personalized Medicine); PubMed 6695174 (cited by OMIM).